The following is an entry in ClinVar:

NM_001544.5(ICAM4):c.309C>A (p.Asp103Glu)

Genes: ICAM4 (intercellular adhesion molecule 4 (Landsteiner-Wiener blood group); plus strand), ICAM4-AS1 (ICAM4 antisense RNA 1; minus strand). Cytogenetic location: 19p13.2.
Variant type: single nucleotide variant.
Coding change: c.309C>A on transcript NM_001544.5 (MANE Select); coding-DNA position 309, C replaced by A.
Protein change: p.Asp103Glu; replaces aspartic acid 103 with glutamic acid.
Molecular consequence: missense variant.
Genome position (GRCh38, 1-based): chr19:10,287,321, C>A. VCF-style: chr19-10287321-C-A. GRCh37 (hg19) VCF-style: chr19-10397997-C-A.
Other names: c.309C>A, p.Asp103Glu (NM_001039132.3); short protein forms D103E.
Identifiers: ClinVar variation 1185005 (VCV001185005.2), dbSNP rs2145020489, ClinGen allele CA403962647.

ClinVar aggregate classification (germline): Uncertain significance (0 of 4 stars; one submission).

Conditions:
Landsteiner-Wiener phenotype (LW). Also called: LW BLOOD GROUP SYSTEM, LW(a)/LW(b) POLYMORPHISM; LW BLOOD GROUP SYSTEM, LW(a-b-) PHENOTYPE; LANDSTEINER-WIENER BLOOD GROUP SYSTEM. Identifiers: MedGen C3887952, OMIM 111250.

gnomAD v4.1: 1 of 1,613,576 alleles (0.000062%); highest among the groups gnomAD compares: Non-Finnish European, 0.000085%; no homozygotes.

Submission:

Australian Red Cross Blood Service
Classification: Uncertain significance for Landsteiner-Wiener phenotype. Review status: no assertion criteria provided. Collection method: research. Allele origin: inherited. Inheritance: Codominant.
Comment: The c.309C>A (p.Asp103Glu) SNV in the ICAM4 gene was detected in a family study of 5 siblings. Three were heterozygous for c.309C>A and two were homozygous for c.309C>A. One of two homozygous individuals developed an antibody against a high-prevalence antigen carried on ICAM4 glycoprotein expressed on the surface of red blood cells. The c.309C>A SNP is in cis with c.299A, the molecular basis for blood group antigen LW(a) of the LW blood group system. Consanguinity between the parents is not known.

Literature cited by the submitters: PubMed 8566017; PubMed 15946068; PubMed 10895261.